The following is an entry in ClinVar:

ClinVar aggregate classification (germline): Likely pathogenic (1 of 4 stars; one submission).

Conditions:
Dias-Logan syndrome. Also called: INTELLECTUAL DEVELOPMENTAL DISORDER WITH HEREDITARY PERSISTENCE OF FETAL HEMOGLOBIN; Intellectual developmental disorder with persistence of fetal hemoglobin. Identifiers: Orphanet 619233, MedGen C4310833, MONDO:0014914, OMIM 617101.

Submission:

Broad Center for Mendelian Genomics, Broad Institute of MIT and Harvard
Classification: Likely pathogenic for Dias-Logan syndrome. Last evaluated: 2023-05-02. Review status: criteria provided, single submitter. Criteria: ACMG Guidelines, 2015. Collection method: curation. Allele origin: germline. Inheritance: Autosomal dominant inheritance.
Comment: Trio exome analysis showed this variant to be de novo. The p.Glu502Ter variant in BCL11A has not been previously reported in individuals with intellectual developmental disorder with persistence of fetal hemoglobin (Dias-Logan syndrome). This variant was absent from large population studies. This nonsense variant leads to a premature termination codon at position 502. This alteration occurs within the last exon and is more likely to escape nonsense mediated decay (NMD) and result in a truncated protein. Heterozygous loss of function of the BCL11A gene is an established disease mechanism in autosomal dominant intellectual developmental disorder with persistence of fetal hemoglobin (Dias-Logan syndrome). In summary, although additional studies are required to fully establish its clinical significance, this variant is likely pathogenic for autosomal dominant intellectual developmental disorder with persistence of fetal hemoglobin (Dias-Logan syndrome). ACMG/AMP Criteria applied: PVS1_Strong, PS2_Moderate, PM2_Supporting (Richards 2015).

NM_022893.4(BCL11A):c.1504G>T (p.Glu502Ter)

Gene: BCL11A (BCL11 transcription factor A; minus strand). Cytogenetic location: 2p16.1.
Variant type: single nucleotide variant.
Coding change: c.1504G>T on transcript NM_022893.4 (MANE Select); coding-DNA position 1504, G replaced by T.
Protein change: p.Glu502Ter; replaces glutamic acid 502 with a stop codon.
Molecular consequence: nonsense. On other transcripts: intron variant (6).
Genome position (GRCh38, 1-based): chr2:60,461,408, C>A on the plus strand (G>T on the coding strand, the complement: BCL11A is on the minus strand). VCF-style: chr2-60461408-C-A. GRCh37 (hg19) VCF-style: chr2-60688543-C-A.
Other names: NM_138559.2:c.630+874G>T; c.1504G>T, p.Glu502Ter (NM_018014.4, NM_001405708.1, NM_001405709.1 and 1 more transcripts); c.630+874G>T (NM_138559.2, NM_001405732.1); c.528+874G>T (NM_001405733.1); c.474+874G>T (NM_001405735.1, NM_001405734.1); c.372+874G>T (NM_001405736.1); c.811G>T, p.Glu271Ter (NM_001405729.1); c.967G>T, p.Glu323Ter (NM_001405730.1); and 6 more; short protein forms E171*, E271*, E323*, E350*, E391*, E416*, E450*, E468*.
Identifiers: ClinVar variation 2500886 (VCV002500886.1), dbSNP rs2466230694, ClinGen allele CA347037856.